The following is an entry in ClinVar:

NM_021167.5(GATAD1):c.22A>T (p.Thr8Ser)

Genes: GATAD1 (GATA zinc finger domain containing 1; plus strand), LOC129998793 (ATAC-STARR-seq lymphoblastoid silent region 18371; plus strand). Cytogenetic location: 7q21.2.
Variant type: single nucleotide variant.
Coding change: c.22A>T on transcript NM_021167.5 (MANE Select); coding-DNA position 22, A replaced by T.
Protein change: p.Thr8Ser; replaces threonine 8 with serine.
Molecular consequence: missense variant. On other transcripts: non-coding transcript variant (1).
Genome position (GRCh38, 1-based): chr7:92,447,751, A>T. VCF-style: chr7-92447751-A-T. GRCh37 (hg19) VCF-style: chr7-92077065-A-T.
Other names: short protein forms T8S.
Identifiers: ClinVar variation 999382 (VCV000999382.9), dbSNP rs1360888877, ClinGen allele CA368154481.
Genomic context (GRCh38, chr7:92,447,751, plus strand): 5'-GTGTCTCTGCGCCCGCGGGGGCCGCCCGAGCCGGCCACCATGCCGCTGGGCCTGAAGCCC[A>T]CCTGCAGCGTATGCAAGACCACGTCGTCCTCCATGTGGAAGAAGGGAGCGCAGGGGGAGA-3'
Protein context (NP_066990.3, residues 1-18): MPLGLKP[Thr8Ser]CSVCKTTSSS

ClinVar aggregate classification (germline): Uncertain significance (1 of 4 stars; one submission).

Conditions:
Dilated cardiomyopathy 2B. Identifiers: Orphanet 154, MedGen C3553409, MONDO:0013848, OMIM 614672.

Allele frequency attached by ClinVar (database versions not stated): gnomAD exomes below 0.00001; gnomAD 0.00001.
gnomAD v4.1: 2 of 1,497,096 alleles (0.00013%); highest among the groups gnomAD compares: Non-Finnish European, 0.00018%; no homozygotes.

Submission:

Labcorp Genetics (formerly Invitae), Labcorp
Classification: Uncertain significance for Dilated cardiomyopathy 2B. Last evaluated: 2020-08-02. Review status: criteria provided, single submitter. Criteria: Invitae Variant Classification Sherloc (09022015). Collection method: clinical testing. Allele origin: germline.
Comment: The frequency data for this variant in the population databases is considered unreliable, as metrics indicate insufficient coverage at this position in the ExAC database. In summary, the available evidence is currently insufficient to determine the role of this variant in disease. Therefore, it has been classified as a Variant of Uncertain Significance. Algorithms developed to predict the effect of missense changes on protein structure and function (SIFT, PolyPhen-2, Align-GVGD) all suggest that this variant is likely to be tolerated, but these predictions have not been confirmed by published functional studies and their clinical significance is uncertain. This variant has not been reported in the literature in individuals with GATAD1-related conditions. This sequence change replaces threonine with serine at codon 8 of the GATAD1 protein (p.Thr8Ser). The threonine residue is moderately conserved and there is a small physicochemical difference between threonine and serine.